The following is an entry in ClinVar:

NM_000039.3(APOA1):c.791T>C (p.Leu264Pro)

Gene: APOA1 (apolipoprotein A1; minus strand). Cytogenetic location: 11q23.3.
Variant type: single nucleotide variant.
Coding change: c.791T>C on transcript NM_000039.3 (MANE Select); coding-DNA position 791, T replaced by C.
Protein change: p.Leu264Pro; replaces leucine 264 with proline.
Molecular consequence: missense variant.
Genome position (GRCh38, 1-based): chr11:116,835,821, A>G on the plus strand (T>C on the coding strand, the complement: APOA1 is on the minus strand). VCF-style: chr11-116835821-A-G. GRCh37 (hg19) VCF-style: chr11-116706537-A-G.
Other names: c.791T>C, p.Leu264Pro (NM_001318017.2, NM_001318018.2, NM_001425090.1); c.464T>C, p.Leu155Pro (NM_001318021.2, NM_001425091.1, NM_001425092.1); c.746T>C, p.Leu249Pro (NM_001425093.1); short protein forms L264P, L155P, L249P.
Identifiers: ClinVar variation 3414191 (VCV003414191.1).
Genomic context (GRCh38, chr11:116,835,821, plus strand): 5'-GGAAACGTTTATTCTGAGCACCGGGAAGGGGGGCGGCGGCGGGCGCCTCACTGGGTGTTG[A>G]GCTTCTTAGTGTACTCCTCGAGAGCGCTCAGGAAGCTGACCTTGAAGCTCTCCAGCACGG-3'
Protein context (NP_000030.1, residues 254-267): LSALEEYTKK[Leu264Pro]NTQ

ClinVar aggregate classification (germline): Uncertain significance (1 of 4 stars; one submission).

Conditions:
Cardiovascular phenotype. Identifiers: MedGen CN230736.

gnomAD v4.1: 2 of 1,613,056 alleles (0.00012%); highest among the groups gnomAD compares: Non-Finnish European, 0.00017%; no homozygotes.

Submission:

Ambry Genetics
Classification: Uncertain significance for Cardiovascular phenotype. Last evaluated: 2024-09-11. Review status: criteria provided, single submitter. Criteria: Ambry Variant Classification Scheme 2023. Collection method: clinical testing. Allele origin: germline.
Comment: The p.L264P variant (also known as c.791T>C), located in coding exon 3 of the APOA1 gene, results from a T to C substitution at nucleotide position 791. The leucine at codon 264 is replaced by proline, an amino acid with similar properties. This amino acid position is conserved. In addition, this alteration is predicted to be deleterious by in silico analysis. Based on the available evidence, the clinical significance of this variant remains unclear.